The following is an entry in ClinVar:

ClinVar aggregate classification (germline): Uncertain significance. Review status: criteria provided, multiple submitters, no conflicts (2 of 4 stars). 3 submissions from 3 submitters: Uncertain significance (3). Last evaluated 2024-06-28.

Conditions:
Early-infantile DEE. Also called: Ohtahara syndrome; Early infantile epileptic encephalopathy with suppression bursts; Early infantile epileptic encephalopathy. Identifiers: Orphanet 1934, MedGen C0393706, MONDO:0800491.
Severe myoclonic epilepsy in infancy (DRVT). Also called: Severe Myoclonic Epilepsy in Infancy (SMEI); Epileptic encephalopathy, early infantile, 6 (Dravet syndrome); SEVERE MYOCLONIC EPILEPSY OF INFANCY; DEVELOPMENTAL AND EPILEPTIC ENCEPHALOPATHY 6A; Dravet syndrome. Identifiers: Orphanet 33069, MedGen C0751122, MONDO:0100135, OMIM 607208.

Allele frequency attached by ClinVar (database versions not stated): gnomAD exomes below 0.00001; gnomAD 0.00001; TOPMed 0.00001.
gnomAD v4.1: 7 of 1,613,748 alleles (0.00043%); highest among the groups gnomAD compares: East Asian, 0.0022%; no homozygotes.

Submissions (3):

GeneDx
Classification: Uncertain significance. Last evaluated: 2024-06-28. Review status: criteria provided, single submitter. Criteria: GeneDx Variant Classification Process June 2021. Collection method: clinical testing. Allele origin: germline. Affected: yes.
Comment: Identified in a patient with small vessel disease stroke, however, additional clinical and segregation information were not provided (PMID: 31719132); Not observed at significant frequency in large population cohorts (gnomAD); This substitution is predicted to be within the N/C-terminal cytoplasmic domain and IQ domain.; In silico analysis indicates that this missense variant does not alter protein structure/function; This variant is associated with the following publications: (PMID: 31719132, 37209046)

Labcorp Genetics (formerly Invitae), Labcorp
Classification: Uncertain significance for Early-infantile DEE. Last evaluated: 2023-10-17. Review status: criteria provided, single submitter. Criteria: Invitae Variant Classification Sherloc (09022015). Collection method: clinical testing. Allele origin: germline.
Comment: This sequence change replaces arginine, which is basic and polar, with histidine, which is basic and polar, at codon 1928 of the SCN1A protein (p.Arg1928His). This variant is not present in population databases (gnomAD no frequency). This variant has not been reported in the literature in individuals affected with SCN1A-related conditions. ClinVar contains an entry for this variant (Variation ID: 1180554). Advanced modeling of protein sequence and biophysical properties (such as structural, functional, and spatial information, amino acid conservation, physicochemical variation, residue mobility, and thermodynamic stability) performed at Invitae indicates that this missense variant is not expected to disrupt SCN1A protein function. In summary, the available evidence is currently insufficient to determine the role of this variant in disease. Therefore, it has been classified as a Variant of Uncertain Significance.

Lifecell International Pvt. Ltd
Classification: Uncertain significance for Severe myoclonic epilepsy in infancy. Review status: criteria provided, single submitter. Criteria: ACMG Guidelines, 2015. Collection method: clinical testing. Allele origin: germline. Inheritance: Autosomal dominant inheritance. Affected: yes. Observed: 1 variant allele, 1 heterozygote.
Comment: A heterozygous missense variant (c.5783G>A) in exon 29 of the SCN1A gene that results in the amino acid substitution from Arginine to Histidine at codon 1928 (p.Arg1928His) was identified. The observed variant is not present in both the 1000 Genomes and gnomAD databases. The reference base is conserved across the mammals and in-silico predictions by Polyphen and SIFT are damaging. The Missense Variants Z-Score for this variant is 5.23. Missense Variants Z-Score is produced by the Exome Aggregation Consortium (60,706 adult humans) by computing a signed Z score for the deviation of observed counts from the expected number. Positive Z scores indicate increased constraint (intolerance to variation) and therefore that the gene had fewer missense variants than expected. (DOI: 10.1038/nature19057). The Missense Badness Score and MPC value for this variant are 0.58 and 0.89, respectively. Missense Badness Score is the normalized fold difference of missense substitutions between observed and expected variants from ExAC dataset. This score is then combined with orthogonal deleteriousness metrics into one score called MPC (for Missense badness, PolyPhen-2, and Constraint) designed to classify whether a missense variants is deleterious. Variants with MPC â‰¥ 2 have a rate nearly 6 times higher in cases than in controls. While those with intermediate MPC values (1 â‰¤ MPC < 2) have a more modest excess in cases. Based on the above evidence this variant has been classified as Variant of uncertain significance according to the ACMG guidelines.

NM_001165963.4(SCN1A):c.5783G>A (p.Arg1928His)

Genes: SCN1A (sodium voltage-gated channel alpha subunit 1; minus strand), LOC102724058 (uncharacterized LOC102724058; plus strand). Cytogenetic location: 2q24.3.
Variant type: single nucleotide variant.
Coding change: c.5783G>A on transcript NM_001165963.4 (MANE Select); coding-DNA position 5783, G replaced by A.
Protein change: p.Arg1928His; replaces arginine 1928 with histidine.
Molecular consequence: missense variant. On other transcripts: non-coding transcript variant (1).
Genome position (GRCh38, 1-based): chr2:165,991,492, C>T on the plus strand (G>A on the coding strand, the complement: SCN1A is on the minus strand). VCF-style: chr2-165991492-C-T. GRCh37 (hg19) VCF-style: chr2-166848002-C-T.
Other names: c.5699G>A, p.Arg1900His (NM_001165964.3, NM_001353957.2, NM_001353958.2); c.5783G>A, p.Arg1928His (NM_001202435.3, NM_001353948.2); c.5750G>A, p.Arg1917His (NM_001353949.2, NM_001353950.2, NM_001353951.2 and 2 more transcripts); c.5747G>A, p.Arg1916His (NM_001353954.2, NM_001353955.2); c.5696G>A, p.Arg1899His (NM_001353960.2); c.3341G>A, p.Arg1114His (NM_001353961.2); c.5783G>A (NM_001165963.1); short protein forms R1114H, R1899H, R1900H, R1916H, R1917H, R1928H.
Identifiers: ClinVar variation 1180554 (VCV001180554.8), dbSNP rs1477444505, ClinGen allele CA349063900.